The following is an entry in ClinVar:

NM_031433.4(MFRP):c.437G>A (p.Gly146Asp)

Genes: C1QTNF5 (C1q and TNF related 5; minus strand), MFRP (membrane frizzled-related protein; minus strand). Cytogenetic location: 11q23.3.
Variant type: single nucleotide variant.
Coding change: c.437G>A on transcript NM_031433.4 (MANE Select); coding-DNA position 437, G replaced by A.
Protein change: p.Gly146Asp; replaces glycine 146 with aspartic acid.
Molecular consequence: missense variant. On other transcripts: 5 prime UTR variant (1).
Genome position (GRCh38, 1-based): chr11:119,345,624, C>T on the plus strand (G>A on the coding strand, the complement: MFRP is on the minus strand). VCF-style: chr11-119345624-C-T. GRCh37 (hg19) VCF-style: chr11-119216334-C-T.
Other names: c.-2200G>A (NM_015645.5); short protein forms G146D.
Identifiers: ClinVar variation 1498090 (VCV001498090.8), dbSNP rs2135373654, ClinGen allele CA382978591.

ClinVar aggregate classification (germline): Uncertain significance (1 of 4 stars; one submission).

Conditions:
Isolated microphthalmia 5. Also called: Posterior Microphthalmia with Retinitis Pigmentosa, Foveoschisis, and Optic Disc Drusen. Identifiers: Orphanet 251279, MedGen C1970236, MONDO:0012605, OMIM 611040.

gnomAD v4.1: 2 of 1,613,626 alleles (0.00012%); highest among the groups gnomAD compares: East Asian, 0.0045%; no homozygotes.

Submission:

Labcorp Genetics (formerly Invitae), Labcorp
Classification: Uncertain significance for Isolated microphthalmia 5. Last evaluated: 2021-04-16. Review status: criteria provided, single submitter. Criteria: Invitae Variant Classification Sherloc (09022015). Collection method: clinical testing. Allele origin: germline.
Comment: In summary, the available evidence is currently insufficient to determine the role of this variant in disease. Therefore, it has been classified as a Variant of Uncertain Significance. Algorithms developed to predict the effect of missense changes on protein structure and function are either unavailable or do not agree on the potential impact of this missense change (SIFT: "Deleterious"; PolyPhen-2: "Probably Damaging"; Align-GVGD: "Class C0"). This variant has not been reported in the literature in individuals with MFRP-related conditions. This variant is not present in population databases (ExAC no frequency). This sequence change replaces glycine with aspartic acid at codon 146 of the MFRP protein (p.Gly146Asp). The glycine residue is highly conserved and there is a moderate physicochemical difference between glycine and aspartic acid.